The following is an entry in ClinVar:

ClinVar aggregate classification (germline): Uncertain significance. Review status: criteria provided, multiple submitters, no conflicts (2 of 4 stars). 4 submissions from 4 submitters: Uncertain significance (4). Last evaluated 2025-05-05.

Conditions:
Cardiovascular phenotype. Identifiers: MedGen CN230736.
Hereditary cancer-predisposing syndrome. Also called: Hereditary neoplastic syndrome; Tumor predisposition; Hereditary Cancer Syndrome; Neoplastic Syndromes, Hereditary. Identifiers: Orphanet 140162, MedGen C0027672, MeSH D009386, MONDO:0015356.
Neurofibromatosis, type 1 (NF1). Also called: Peripheral type neurofibromatosis; Neurofibromatosis, type I; VON RECKLINGHAUSEN DISEASE; NEUROFIBROMATOSIS, TYPE I, SOMATIC. Identifiers: Orphanet 636, MedGen C0027831, MONDO:0018975, OMIM 162200. Disease mechanism: loss of function.

Allele frequency attached by ClinVar (database versions not stated): TOPMed below 0.00001; gnomAD 0.00001.
gnomAD v4.1: 1 of 1,613,800 alleles (0.000062%); highest among the groups gnomAD compares: African/African-American, 0.0013%; no homozygotes.

Submissions (4):

Labcorp Genetics (formerly Invitae), Labcorp
Classification: Uncertain significance for Neurofibromatosis, type 1. Last evaluated: 2025-05-05. Review status: criteria provided, single submitter. Criteria: Invitae Variant Classification Sherloc (09022015). Collection method: clinical testing. Allele origin: germline.
Comment: This sequence change replaces leucine, which is neutral and non-polar, with valine, which is neutral and non-polar, at codon 937 of the NF1 protein (p.Leu937Val). This variant is not present in population databases (gnomAD no frequency). This variant has not been reported in the literature in individuals affected with NF1-related conditions. ClinVar contains an entry for this variant (Variation ID: 578678). Invitae Evidence Modeling of protein sequence and biophysical properties (such as structural, functional, and spatial information, amino acid conservation, physicochemical variation, residue mobility, and thermodynamic stability) indicates that this missense variant is not expected to disrupt NF1 protein function with a negative predictive value of 95%. In summary, the available evidence is currently insufficient to determine the role of this variant in disease. Therefore, it has been classified as a Variant of Uncertain Significance.

Quest Diagnostics Nichols Institute San Juan Capistrano
Classification: Uncertain significance. Last evaluated: 2023-10-20. Review status: criteria provided, single submitter. Criteria: Quest Diagnostics criteria. Collection method: clinical testing. Allele origin: unknown.

Genome-Nilou Lab
Classification: Uncertain significance for Neurofibromatosis, type 1. Last evaluated: 2022-03-15. Review status: criteria provided, single submitter. Criteria: ACMG Guidelines, 2015. Collection method: clinical testing. Allele origin: germline. Affected: no.

Ambry Genetics
Classification: Uncertain significance for Cardiovascular phenotype; Hereditary cancer-predisposing syndrome. Last evaluated: 2018-02-16. Review status: criteria provided, single submitter. Criteria: Ambry Variant Classification Scheme 2023. Collection method: clinical testing. Allele origin: germline.
Comment: The p.L937V variant (also known as c.2809T>G), located in coding exon 21 of the NF1 gene, results from a T to G substitution at nucleotide position 2809. The leucine at codon 937 is replaced by valine, an amino acid with highly similar properties. This amino acid position is highly conserved in available vertebrate species. In addition, this alteration is predicted to be tolerated by in silico analysis. Since supporting evidence is limited at this time, the clinical significance of this alteration remains unclear.

NM_001042492.3(NF1):c.2809T>G (p.Leu937Val)

Gene: NF1 (neurofibromin 1; plus strand). Cytogenetic location: 17q11.2.
Variant type: single nucleotide variant.
Coding change: c.2809T>G on transcript NM_001042492.3 (MANE Select); coding-DNA position 2809, T replaced by G.
Protein change: p.Leu937Val; replaces leucine 937 with valine.
Molecular consequence: missense variant.
Genome position (GRCh38, 1-based): chr17:31,229,424, T>G. VCF-style: chr17-31229424-T-G. GRCh37 (hg19) VCF-style: chr17-29556442-T-G.
Other names: c.2809T>G, p.Leu937Val (NM_000267.4); short protein forms L937V.
Identifiers: ClinVar variation 578678 (VCV000578678.10), dbSNP rs1567849181, ClinGen allele CA398985734.
Genomic context (GRCh38, chr17:31,229,424, plus strand): 5'-GTTAAGGATCTGGTGGGTCTAGAATTGAGTCCTGCTCTGTATCCAATGCTATTTAACAAA[T>G]TGAAGAATACCATCAGCAAGTTTTTTGACTCCCAAGGACAGGTAAAGTGTTCTCTTATTT-3'
Protein context (NP_001035957.1, residues 927-947): PALYPMLFNK[Leu937Val]KNTISKFFDS